The following is an entry in ClinVar:

ClinVar aggregate classification (germline): Likely benign (0 of 4 stars; one submission).

Conditions:
PLXNA1-related disorder. Also called: PLXNA1-related condition.

Submission:

PreventionGenetics, part of Exact Sciences
Classification: Likely benign for PLXNA1-related condition. Last evaluated: 2024-01-17. Review status: no assertion criteria provided. Collection method: clinical testing. Allele origin: germline.
Comment: This variant is classified as likely benign based on ACMG/AMP sequence variant interpretation guidelines (Richards et al. 2015 PMID: 25741868, with internal and published modifications).

NM_032242.4(PLXNA1):c.1077G>T (p.Leu359=)

Gene: PLXNA1 (plexin A1; plus strand). Cytogenetic location: 3q21.3.
Variant type: single nucleotide variant.
Coding change: c.1077G>T on transcript NM_032242.4 (MANE Select); coding-DNA position 1077, G replaced by T.
Protein change: p.Leu359=; no amino-acid change (leucine 359 retained).
Molecular consequence: synonymous variant.
Genome position (GRCh38, 1-based): chr3:126,989,670, G>T. VCF-style: chr3-126989670-G-T. GRCh37 (hg19) VCF-style: chr3-126708513-G-T.
Identifiers: ClinVar variation 3349347 (VCV003349347.1).
Genomic context (GRCh38, chr3:126,989,670, plus strand): 5'-TGTGTTCGCCCAGGGCCAGAAGAACCGCGTGAAGCCACCAAAGGAGTCAGCACTGTGCCT[G>T]TTCACGCTCAGGGCCATCAAGGAGAAGATTAAGGAGCGCATCCAGTCCTGCTACCGTGGT-3'
Protein context (NP_115618.3, residues 349-369): VKPPKESALC[Leu359=]FTLRAIKEKI